The following is an entry in ClinVar:

NM_003896.4(ST3GAL5):c.379A>G (p.Thr127Ala)

Gene: ST3GAL5 (ST3 beta-galactoside alpha-2,3-sialyltransferase 5; minus strand). Cytogenetic location: 2p11.2.
Variant type: single nucleotide variant.
Coding change: c.379A>G on transcript NM_003896.4 (MANE Select); coding-DNA position 379, A replaced by G.
Protein change: p.Thr127Ala; replaces threonine 127 with alanine.
Molecular consequence: missense variant. On other transcripts: 5 prime UTR variant (7).
Genome position (GRCh38, 1-based): chr2:85,848,144, T>C on the plus strand (A>G on the coding strand, the complement: ST3GAL5 is on the minus strand). VCF-style: chr2-85848144-T-C. GRCh37 (hg19) VCF-style: chr2-86075267-T-C.
Other names: c.310A>G, p.Thr104Ala (NM_001042437.2); c.-6A>G (NM_001354223.2, NM_001354224.2, NM_001354226.2 and 3 more transcripts); c.295A>G, p.Thr99Ala (NM_001354227.2, NM_001354229.2, NM_001354238.1); c.-526A>G (NM_001354247.1); c.379A>G, p.Thr127Ala (NM_001363847.1); short protein forms T99A, T104A, T127A.
Identifiers: ClinVar variation 1478909 (VCV001478909.8), dbSNP rs907536067, ClinGen allele CA347532831.

ClinVar aggregate classification (germline): Uncertain significance (1 of 4 stars; one submission).

Conditions:
GM3 synthase deficiency (SPDRS). Also called: SALT AND PEPPER MENTAL RETARDATION SYNDROME; SALT AND PEPPER DEVELOPMENTAL REGRESSION SYNDROME; AMISH INFANTILE EPILEPSY SYNDROME. Identifiers: Orphanet 171714, Orphanet 370933, MedGen C1836824, MONDO:0018274, OMIM 609056.

Allele frequency attached by ClinVar (database versions not stated): gnomAD exomes below 0.00001.
gnomAD v4.1: 1 of 1,614,186 alleles (0.000062%); no homozygotes.

Submission:

Labcorp Genetics (formerly Invitae), Labcorp
Classification: Uncertain significance for GM3 synthase deficiency. Last evaluated: 2021-03-21. Review status: criteria provided, single submitter. Criteria: Invitae Variant Classification Sherloc (09022015). Collection method: clinical testing. Allele origin: germline.
Comment: In summary, the available evidence is currently insufficient to determine the role of this variant in disease. Therefore, it has been classified as a Variant of Uncertain Significance. Algorithms developed to predict the effect of missense changes on protein structure and function (SIFT, PolyPhen-2, Align-GVGD) all suggest that this variant is likely to be tolerated, but these predictions have not been confirmed by published functional studies and their clinical significance is uncertain. This variant has not been reported in the literature in individuals with ST3GAL5-related conditions. This variant is not present in population databases (ExAC no frequency). This sequence change replaces threonine with alanine at codon 127 of the ST3GAL5 protein (p.Thr127Ala). The threonine residue is weakly conserved and there is a small physicochemical difference between threonine and alanine.